The following is an entry in ClinVar:

NM_133497.4(KCNV2):c.620G>T (p.Arg207Leu)

Gene: KCNV2 (potassium voltage-gated channel modifier subfamily V member 2; plus strand). Cytogenetic location: 9p24.2.
Variant type: single nucleotide variant.
Coding change: c.620G>T on transcript NM_133497.4 (MANE Select); coding-DNA position 620, G replaced by T.
Protein change: p.Arg207Leu; replaces arginine 207 with leucine.
Molecular consequence: missense variant.
Genome position (GRCh38, 1-based): chr9:2,718,359, G>T. VCF-style: chr9-2718359-G-T. GRCh37 (hg19) VCF-style: chr9-2718359-G-T.
Other names: short protein forms R207L.
Identifiers: ClinVar variation 2131415 (VCV002131415.4), dbSNP rs769810672, ClinGen allele CA4965541.

ClinVar aggregate classification (germline): Uncertain significance (1 of 4 stars; one submission).

Allele frequency attached by ClinVar (database versions not stated): ExAC 0.00001; gnomAD 0.00001.

Submission:

Labcorp Genetics (formerly Invitae), Labcorp
Classification: Uncertain significance. Last evaluated: 2022-04-28. Review status: criteria provided, single submitter. Criteria: Invitae Variant Classification Sherloc (09022015). Collection method: clinical testing. Allele origin: germline.
Comment: This sequence change replaces arginine, which is basic and polar, with leucine, which is neutral and non-polar, at codon 207 of the KCNV2 protein (p.Arg207Leu). In summary, the available evidence is currently insufficient to determine the role of this variant in disease. Therefore, it has been classified as a Variant of Uncertain Significance. Advanced modeling of protein sequence and biophysical properties (such as structural, functional, and spatial information, amino acid conservation, physicochemical variation, residue mobility, and thermodynamic stability) performed at Invitae indicates that this missense variant is not expected to disrupt KCNV2 protein function. This variant has not been reported in the literature in individuals affected with KCNV2-related conditions. This variant is not present in population databases (gnomAD no frequency).